The following is an entry in ClinVar:

ClinVar aggregate classification (germline): Benign/Likely benign. Review status: criteria provided, multiple submitters, no conflicts (2 of 4 stars). 6 submissions from 6 submitters: Benign (5); Likely benign (1). Last evaluated 2024-12-12.

Conditions:
Primary ciliary dyskinesia. Also called: Ciliary dyskinesia. Identifiers: Orphanet 244, MedGen C0008780, MONDO:0016575, HP:0012265.
Primary ciliary dyskinesia 6. Also called: Primary Ciliary Dyskinesia 6: TXNDC3-Related Primary Ciliary Dyskinesia. Identifiers: Orphanet 244, MedGen C1970506, MONDO:0012571, OMIM 610852.

Allele frequency attached by ClinVar (database versions not stated): ESP Exome Variant Server 0.00631; 1000 Genomes Project 30x 0.15553; 1000 Genomes Project 0.15775; TOPMed 0.24004; gnomAD 0.24911 and 0.25213; ExAC 0.26882; gnomAD exomes 0.27276 and 0.32840.
gnomAD v4.1: 514,915 of 1,607,030 alleles (32%); highest among the groups gnomAD compares: Non-Finnish European, 36%; 88,663 homozygotes.

Submissions (6):

Labcorp Genetics (formerly Invitae), Labcorp
Classification: Benign for Primary ciliary dyskinesia 6. Last evaluated: 2024-12-12. Review status: criteria provided, single submitter. Criteria: Invitae Variant Classification Sherloc (09022015). Collection method: clinical testing. Allele origin: germline.

Blueprint Genetics
Classification: Likely benign. Last evaluated: 2024-11-27. Review status: criteria provided, single submitter. Criteria: ACMG Guidelines, 2015. Collection method: clinical testing. Allele origin: germline.

GeneDx
Classification: Benign. Last evaluated: 2018-11-12. Review status: criteria provided, single submitter. Criteria: GeneDx Variant Classification Process June 2021. Collection method: clinical testing. Allele origin: germline. Affected: yes.

Ambry Genetics
Classification: Benign for Primary ciliary dyskinesia. Last evaluated: 2014-12-10. Review status: criteria provided, single submitter. Criteria: Ambry Variant Classification Scheme 2023. Collection method: clinical testing. Allele origin: germline.

Laboratory for Molecular Medicine, Mass General Brigham Personalized Medicine
Classification: Benign. Last evaluated: 2013-02-21. Review status: criteria provided, single submitter. Criteria: LMM Criteria. Collection method: clinical testing. Allele origin: germline. Observed: 48 variant alleles.
Comment: Ile493Thr in exon 16 of TXNDC3: This variant is not expected to have clinical si gnificance because it has been identified in 28.7% (51/178) of English and Scott ish chromosomes from a broad population by the 1000 Genomes Project (.; dbSNP rs56128139).

PreventionGenetics, part of Exact Sciences
Classification: Benign. Review status: criteria provided, single submitter. Criteria: ACMG Guidelines, 2015. Collection method: clinical testing. Allele origin: germline.

NM_016616.5(NME8):c.1478T>C (p.Ile493Thr)

Gene: NME8 (NME/NM23 family member 8; plus strand). Cytogenetic location: 7p14.1.
Variant type: single nucleotide variant.
Coding change: c.1478T>C on transcript NM_016616.5 (MANE Select); coding-DNA position 1478, T replaced by C.
Protein change: p.Ile493Thr; replaces isoleucine 493 with threonine.
Molecular consequence: missense variant.
Genome position (GRCh38, 1-based): chr7:37,894,544, T>C. VCF-style: chr7-37894544-T-C. GRCh37 (hg19) VCF-style: chr7-37934146-T-C.
Other names: short protein forms I493T.
Identifiers: ClinVar variation 178811 (VCV000178811.13), dbSNP rs56128139, ClinGen allele CA183080.